The following is an entry in ClinVar:

NM_139076.3(ABRAXAS1):c.246G>A (p.Glu82=)

Gene: ABRAXAS1 (abraxas 1, BRCA1 A complex subunit; minus strand). Cytogenetic location: 4q21.23.
Variant type: single nucleotide variant.
Coding change: c.246G>A on transcript NM_139076.3 (MANE Select); coding-DNA position 246, G replaced by A.
Protein change: p.Glu82=; no amino-acid change (glutamic acid 82 retained).
Molecular consequence: synonymous variant. On other transcripts: intron variant (1).
Genome position (GRCh38, 1-based): chr4:83,472,258, C>T on the plus strand (G>A on the coding strand, the complement: ABRAXAS1 is on the minus strand). VCF-style: chr4-83472258-C-T. GRCh37 (hg19) VCF-style: chr4-84393411-C-T.
Other names: c.-45-1862G>A (NM_001345962.2).
Identifiers: ClinVar variation 496531 (VCV000496531.38), dbSNP rs367969368, ClinGen allele CA2990594.

ClinVar aggregate classification (germline): Benign/Likely benign. Review status: criteria provided, multiple submitters, no conflicts (2 of 4 stars). 5 submissions from 5 submitters: Benign (1); Likely benign (3). 1 of the submissions does not count toward it. Last evaluated 2024-08-27.

Conditions:
ABRAXAS1-related disorder. Also called: ABRAXAS1-related condition.

Allele frequency attached by ClinVar (database versions not stated): gnomAD exomes 0.00010 and 0.00022; TOPMed 0.00010; gnomAD 0.00011; ExAC 0.00015; ESP Exome Variant Server 0.00026.
gnomAD v4.1: 313 of 1,531,900 alleles (0.02%); highest among the groups gnomAD compares: Non-Finnish European, 0.026%; no homozygotes.

Submissions (5):

Labcorp Genetics (formerly Invitae), Labcorp
Classification: Likely benign. Last evaluated: 2024-08-27. Review status: criteria provided, single submitter. Criteria: Invitae Variant Classification Sherloc (09022015). Collection method: clinical testing. Allele origin: germline.

CeGaT Center for Human Genetics Tuebingen
Classification: Likely benign. Last evaluated: 2023-01-01. Review status: criteria provided, single submitter. Criteria: CeGaT Center For Human Genetics Tuebingen Variant Classification Criteria Version 2. Collection method: clinical testing. Allele origin: germline. Affected: yes. Observed: 1 variant allele.
Comment: ABRAXAS1: BP4, BP7

Ambry Genetics
Classification: Likely benign. Last evaluated: 2022-02-13. Review status: criteria provided, single submitter. Criteria: Ambry Variant Classification Scheme 2023. Collection method: clinical testing. Allele origin: germline.

Women's Health and Genetics/Laboratory Corporation of America, LabCorp
Classification: Benign. Last evaluated: 2016-09-09. Review status: criteria provided, single submitter. Criteria: LabCorp Variant Classification Summary - May 2015. Collection method: clinical testing. Allele origin: germline.
Comment: Variant summary: The c.246G>A (p.Glu82=) in FAM175A gene is a synonymous change that involves a non-conserved nucleotide. 5/5 programs in Alamut predict that this variant does not affect normal splicing, however no functional studies supporting this notion were published at the time of evaluation. The variant is present in the control population dataset of ExAC at frequency of 0.00015(4/27390 chrs tested). However, this frequency should be taking with caution as ExAC provides a note of a low coverage in this region: This variant is only covered in 13695 individuals (adjusted allele number = 27390). This means that the site is covered in fewer than 80% of the individuals in ExAC, which may indicate a low-quality site. This frequency exceeds the maximal expected frequency of a pathogenic allele (0.00003) in this gene. The variant of interest has not been cited by any reputable database/clinical laboratories/published reports. Taking together, the variant was classified as Benign.

PreventionGenetics, part of Exact Sciences
Classification: Likely benign for ABRAXAS1-related condition. Last evaluated: 2019-12-24. Review status: no assertion criteria provided. Collection method: clinical testing. Allele origin: germline. Not counted in ClinVar's aggregate classification.
Comment: This variant is classified as likely benign based on ACMG/AMP sequence variant interpretation guidelines (Richards et al. 2015 PMID: 25741868, with internal and published modifications).